The following is an entry in ClinVar:

NM_017848.6(FAM120C):c.2016G>A (p.Gln672=)

Gene: FAM120C (family with sequence similarity 120 member C; minus strand). Cytogenetic location: Xp11.22.
Variant type: single nucleotide variant.
Coding change: c.2016G>A on transcript NM_017848.6 (MANE Select); coding-DNA position 2016, G replaced by A.
Protein change: p.Gln672=; no amino-acid change (glutamine 672 retained).
Molecular consequence: synonymous variant.
Genome position (GRCh38, 1-based): chrX:54,132,738, C>T on the plus strand (G>A on the coding strand, the complement: FAM120C is on the minus strand). VCF-style: chrX-54132738-C-T. GRCh37 (hg19) VCF-style: chrX-54159171-C-T.
Other names: c.2016G>A, p.Gln672= (NM_001300788.2).
Identifiers: ClinVar variation 2660654 (VCV002660654.24), dbSNP rs782257799, ClinGen allele CA10423882.
Genomic context (GRCh38, chrX:54,132,738, plus strand): 5'-AGAACTACACTTACCTTCCACAGGCAGCCGCCGTCGCATGGCCAAGCGTTCCATTTTCCT[C>T]TGTGTCTCTGCCAGACTAAAAAGAACTCCATATACATATTGACGAGCTGACCGGAATAAG-3'
Protein context (NP_060318.4, residues 662-682): YGVLFSLAET[Gln672=]RKMERLAMRR

ClinVar aggregate classification (germline): Likely benign (1 of 4 stars; one submission).

Allele frequency attached by ClinVar (database versions not stated): gnomAD exomes 0.00003; TOPMed 0.00003; ExAC 0.00004; gnomAD 0.00005.
gnomAD v4.1: 38 of 1,207,021 alleles (0.0031%); highest among the groups gnomAD compares: Non-Finnish European, 0.004%; no homozygotes.

Submission:

CeGaT Center for Human Genetics Tuebingen
Classification: Likely benign. Last evaluated: 2022-05-01. Review status: criteria provided, single submitter. Criteria: CeGaT Center For Human Genetics Tuebingen Variant Classification Criteria Version 2. Collection method: clinical testing. Allele origin: germline. Affected: yes. Observed: 1 variant allele.
Comment: FAM120C: BP4, BP7